The following is an entry in ClinVar:

ClinVar aggregate classification (germline): Uncertain significance (1 of 4 stars; one submission).

Conditions:
Hereditary cancer-predisposing syndrome. Also called: Hereditary Cancer Syndrome; Hereditary neoplastic syndrome; Neoplastic Syndromes, Hereditary; Tumor predisposition. Identifiers: Orphanet 140162, MedGen C0027672, MeSH D009386, MONDO:0015356.

Allele frequency attached by ClinVar (database versions not stated): gnomAD 0.00001.
gnomAD v4.1: 1 of 1,614,038 alleles (0.000062%); highest among the groups gnomAD compares: African/African-American, 0.0013%; no homozygotes.

Submission:

Ambry Genetics
Classification: Uncertain significance for Hereditary cancer-predisposing syndrome. Last evaluated: 2023-12-18. Review status: criteria provided, single submitter. Criteria: Ambry Variant Classification Scheme 2023. Collection method: clinical testing. Allele origin: germline.
Comment: The p.F479L variant (also known as c.1437C>G), located in coding exon 12 of the SUFU gene, results from a C to G substitution at nucleotide position 1437. The phenylalanine at codon 479 is replaced by leucine, an amino acid with highly similar properties. This amino acid position is highly conserved in available vertebrate species. In addition, the in silico prediction for this alteration is inconclusive. Since supporting evidence is limited at this time, the clinical significance of this alteration remains unclear.

NM_016169.4(SUFU):c.1437C>G (p.Phe479Leu)

Gene: SUFU (SUFU negative regulator of hedgehog signaling; plus strand). Cytogenetic location: 10q24.32.
Variant type: single nucleotide variant.
Coding change: c.1437C>G on transcript NM_016169.4 (MANE Select); coding-DNA position 1437, C replaced by G.
Protein change: p.Phe479Leu; replaces phenylalanine 479 with leucine.
Molecular consequence: missense variant.
Genome position (GRCh38, 1-based): chr10:102,630,137, C>G. VCF-style: chr10-102630137-C-G. GRCh37 (hg19) VCF-style: chr10-104389894-C-G.
Other names: short protein forms F479L.
Identifiers: ClinVar variation 1772631 (VCV001772631.2), dbSNP rs768454343, ClinGen allele CA377921074.